The following is an entry in ClinVar:

NM_182961.4(SYNE1):c.21090T>G (p.Asn7030Lys)

Gene: SYNE1 (spectrin repeat containing nuclear envelope protein 1; minus strand). Cytogenetic location: 6q25.2.
Variant type: single nucleotide variant.
Coding change: c.21090T>G on transcript NM_182961.4 (MANE Select); coding-DNA position 21090, T replaced by G.
Protein change: p.Asn7030Lys; replaces asparagine 7030 with lysine.
Molecular consequence: missense variant.
Genome position (GRCh38, 1-based): chr6:152,230,652, A>C on the plus strand (T>G on the coding strand, the complement: SYNE1 is on the minus strand). VCF-style: chr6-152230652-A-C. GRCh37 (hg19) VCF-style: chr6-152551787-A-C.
Other names: c.20877T>G, p.Asn6959Lys (NM_033071.5); short protein forms N6959K, N7030K.
Identifiers: ClinVar variation 1510738 (VCV001510738.6), dbSNP rs758318901, ClinGen allele CA366112660.

ClinVar aggregate classification (germline): Uncertain significance (1 of 4 stars; one submission).

Conditions:
Emery-Dreifuss muscular dystrophy 4, autosomal dominant (EDMD4). Also called: EMERY-DREIFUSS MUSCULAR DYSTROPHY 4 WITH VARIABLE FEATURES. Identifiers: Orphanet 261, MedGen C2751807, MONDO:0013071, OMIM 612998.
Autosomal recessive ataxia, Beauce type. Also called: Spinocerebellar ataxia, autosomal recessive 8; ATAXIA, RECESSIVE, OF BEAUCE; SYNE1 Deficiency; SYNE1-Related Autosomal Recessive Cerebellar Ataxia. Identifiers: Orphanet 88644, MedGen C1853116, MONDO:0012549, OMIM 610743.

Allele frequency attached by ClinVar (database versions not stated): TOPMed below 0.00001.
gnomAD v4.1: 3 of 1,614,060 alleles (0.00019%); highest among the groups gnomAD compares: East Asian, 0.0045%; no homozygotes.

Submission:

Labcorp Genetics (formerly Invitae), Labcorp
Classification: Uncertain significance for Emery-Dreifuss muscular dystrophy 4, autosomal dominant; Autosomal recessive ataxia, Beauce type. Last evaluated: 2022-10-24. Review status: criteria provided, single submitter. Criteria: Invitae Variant Classification Sherloc (09022015). Collection method: clinical testing. Allele origin: germline.
Comment: Algorithms developed to predict the effect of missense changes on protein structure and function are either unavailable or do not agree on the potential impact of this missense change (SIFT: "Deleterious"; PolyPhen-2: "Benign"; Align-GVGD: "Class C25"). ClinVar contains an entry for this variant (Variation ID: 1510738). This variant has not been reported in the literature in individuals affected with SYNE1-related conditions. This variant is present in population databases (no rsID available, gnomAD 0.01%). This sequence change replaces asparagine, which is neutral and polar, with lysine, which is basic and polar, at codon 6959 of the SYNE1 protein (p.Asn6959Lys). In summary, the available evidence is currently insufficient to determine the role of this variant in disease. Therefore, it has been classified as a Variant of Uncertain Significance.